The following is an entry in ClinVar:

ClinVar aggregate classification (germline): Uncertain significance (1 of 4 stars; one submission).

Conditions:
Congenital disorder of deglycosylation (CDDG). Identifiers: MedGen C3808991, MONDO:0031376.

Submission:

Labcorp Genetics (formerly Invitae), Labcorp
Classification: Uncertain significance for Congenital disorder of deglycosylation. Last evaluated: 2021-08-31. Review status: criteria provided, single submitter. Criteria: Invitae Variant Classification Sherloc (09022015). Collection method: clinical testing. Allele origin: germline.
Comment: This sequence change falls in intron 8 of the NGLY1 gene. It does not directly change the encoded amino acid sequence of the NGLY1 protein. It affects a nucleotide within the consensus splice site of the intron. The frequency data for this variant in the population databases is not available, as this variant may be reported as separate entries in the ExAC database. This variant has not been reported in the literature in individuals affected with NGLY1-related conditions. Variants that disrupt the consensus splice site are a relatively common cause of aberrant splicing (PMID: 17576681, 9536098). Algorithms developed to predict the effect of sequence changes on RNA splicing suggest that this variant is not likely to affect RNA splicing. In summary, the available evidence is currently insufficient to determine the role of this variant in disease. Therefore, it has been classified as a Variant of Uncertain Significance.

Literature cited by the submitters: PubMed 17576681; PubMed 9536098.

NM_018297.4(NGLY1):c.1260+6_1260+7delinsCG

Gene: NGLY1 (N-glycanase 1; minus strand). Cytogenetic location: 3p24.2.
Variant type: Indel.
Coding change: c.1260+6_1260+7delinsCG on transcript NM_018297.4 (MANE Select); bases 6 to 7 of the intron after coding-DNA position 1260, GT replaced by CG.
Molecular consequence: intron variant.
Genome position (GRCh38, 1-based): chr3:25,733,865-25,733,866, AC replaced by CG on the plus strand (GT replaced by CG on the coding strand, the reverse complement: NGLY1 is on the minus strand). VCF-style: chr3-25733865-AC-CG. GRCh37 (hg19) VCF-style: chr3-25775356-AC-CG.
Other names: c.1134+6_1134+7delinsCG (NM_001145294.2); c.1260+6_1260+7delinsCG (NM_001145295.2); c.1206+6_1206+7delinsCG (NM_001145293.2).
Identifiers: ClinVar variation 1014133 (VCV001014133.2), dbSNP rs1705680555, ClinGen allele CA1352481744.